The following is an entry in ClinVar:

ClinVar aggregate classification (germline): conflicting data from submitters (0 of 4 stars; one submission).

Submission:

ISCA site 1
Classification: conflicting data from submitters. Last evaluated: 2016-02-01. Review status: no assertion criteria provided. Collection method: clinical testing. Allele origin: paternal, unknown. Affected: yes. Observed: 2 variant alleles.
Comment: Uncertain significance(1), Likely benign (1)

Copy number variation identified through the course of routine clinical cytogenomic testing in postnatal populations, with clinical assertions as classified by the original submitter. For data from the original published study, Kaminsky, et al. 2011 (PubMed 21844811), please see nstd101.

GRCh38/hg38 7p11.2(chr7:57193415-57864134)x3

Genes: MIR3147 (microRNA 3147; plus strand), MIR3147HG (MIR3147 host gene; plus strand), ZNF716 (zinc finger protein 716; plus strand), LOC105375297 (uncharacterized LOC105375297; minus strand), LOC132089552 (Neanderthal introgressed variant-containing enhancer experimental_99715; plus strand). Cytogenetic location: 7p11.2.
Variant type: copy number gain.
Change: copy number 3 (three copies instead of two) of chr7:57,193,415-57,864,134 (670.7 kb, GRCh38 coordinates, 1-based), cytogenetic band 7p11.2.
Identifiers: ClinVar variation 153486 (VCV000153486.2).